The following is an entry in ClinVar:

ClinVar aggregate classification (germline): Uncertain significance (1 of 4 stars; one submission).

Allele frequency attached by ClinVar (database versions not stated): ExAC 0.00002; gnomAD exomes 0.00003 and 0.00004.
gnomAD v4.1: 44 of 1,590,006 alleles (0.0028%); highest among the groups gnomAD compares: Admixed American, 0.0084%; no homozygotes.

Submission:

Labcorp Genetics (formerly Invitae), Labcorp
Classification: Uncertain significance. Last evaluated: 2021-08-28. Review status: criteria provided, single submitter. Criteria: Invitae Variant Classification Sherloc (09022015). Collection method: clinical testing. Allele origin: germline.
Comment: This sequence change replaces arginine with cysteine at codon 133 of the EXOSC9 protein (p.Arg133Cys). The arginine residue is highly conserved and there is a large physicochemical difference between arginine and cysteine. This variant is present in population databases (rs760945140, ExAC 0.003%). This variant has not been reported in the literature in individuals affected with EXOSC9-related conditions. Algorithms developed to predict the effect of missense changes on protein structure and function (SIFT, PolyPhen-2, Align-GVGD) all suggest that this variant is likely to be disruptive. In summary, the available evidence is currently insufficient to determine the role of this variant in disease. Therefore, it has been classified as a Variant of Uncertain Significance.

NM_005033.3(EXOSC9):c.397C>T (p.Arg133Cys)

Gene: EXOSC9 (exosome component 9; plus strand). Cytogenetic location: 4q27.
Variant type: single nucleotide variant.
Coding change: c.397C>T on transcript NM_005033.3 (MANE Select); coding-DNA position 397, C replaced by T.
Protein change: p.Arg133Cys; replaces arginine 133 with cysteine.
Molecular consequence: missense variant.
Genome position (GRCh38, 1-based): chr4:121,804,634, C>T. VCF-style: chr4-121804634-C-T. GRCh37 (hg19) VCF-style: chr4-122725789-C-T.
Other names: c.397C>T, p.Arg133Cys (NM_001034194.2); short protein forms R133C.
Identifiers: ClinVar variation 1476607 (VCV001476607.5), dbSNP rs760945140, ClinGen allele CA3063394.